The following is an entry in ClinVar:

NM_001365999.1(SZT2):c.9758C>T (p.Ala3253Val)

Genes: SZT2 (SZT2 subunit of KICSTOR complex; plus strand), SZT2-AS1 (SZT2 antisense RNA 1; minus strand). Cytogenetic location: 1p34.2.
Variant type: single nucleotide variant.
Coding change: c.9758C>T on transcript NM_001365999.1 (MANE Select); coding-DNA position 9758, C replaced by T.
Protein change: p.Ala3253Val; replaces alanine 3253 with valine.
Molecular consequence: missense variant. On other transcripts: non-coding transcript variant (1).
Genome position (GRCh38, 1-based): chr1:43,448,273, C>T. VCF-style: chr1-43448273-C-T. GRCh37 (hg19) VCF-style: chr1-43913944-C-T.
Other names: c.9587C>T, p.Ala3196Val (NM_015284.4); short protein forms A3196V, A3253V.
Identifiers: ClinVar variation 1352437 (VCV001352437.5), dbSNP rs1272191590, ClinGen allele CA340044516.

ClinVar aggregate classification (germline): Uncertain significance (1 of 4 stars; one submission).

Allele frequency attached by ClinVar (database versions not stated): TOPMed below 0.00001.
gnomAD v4.1: 1 of 1,568,764 alleles (0.000064%); no homozygotes.

Submission:

Labcorp Genetics (formerly Invitae), Labcorp
Classification: Uncertain significance. Last evaluated: 2022-02-28. Review status: criteria provided, single submitter. Criteria: Invitae Variant Classification Sherloc (09022015). Collection method: clinical testing. Allele origin: germline.
Comment: In summary, the available evidence is currently insufficient to determine the role of this variant in disease. Therefore, it has been classified as a Variant of Uncertain Significance. Algorithms developed to predict the effect of missense changes on protein structure and function are either unavailable or do not agree on the potential impact of this missense change (SIFT: "Deleterious"; PolyPhen-2: "Benign"; Align-GVGD: "Class C55"). This variant has not been reported in the literature in individuals affected with SZT2-related conditions. This variant is not present in population databases (gnomAD no frequency). This sequence change replaces alanine, which is neutral and non-polar, with valine, which is neutral and non-polar, at codon 3196 of the SZT2 protein (p.Ala3196Val).